The following is an entry in ClinVar:

ClinVar aggregate classification (germline): Uncertain significance. Review status: criteria provided, multiple submitters, no conflicts (2 of 4 stars). 3 submissions from 3 submitters: Uncertain significance (3). Last evaluated 2025-08-01.

Allele frequency attached by ClinVar (database versions not stated): gnomAD 0.00002; TOPMed 0.00002; gnomAD exomes 0.00007; ExAC 0.00009.
gnomAD v4.1: 109 of 1,611,324 alleles (0.0068%); highest among the groups gnomAD compares: Admixed American, 0.0084%; no homozygotes.

Submissions (3):

Ambry Genetics
Classification: Uncertain significance. Last evaluated: 2025-08-01. Review status: criteria provided, single submitter. Criteria: Ambry Variant Classification Scheme 2023. Collection method: clinical testing. Allele origin: germline.

Labcorp Genetics (formerly Invitae), Labcorp
Classification: Uncertain significance. Last evaluated: 2024-10-28. Review status: criteria provided, single submitter. Criteria: Invitae Variant Classification Sherloc (09022015). Collection method: clinical testing. Allele origin: germline.
Comment: This sequence change replaces arginine, which is basic and polar, with histidine, which is basic and polar, at codon 1659 of the SBF1 protein (p.Arg1659His). This variant is present in population databases (rs750566645, gnomAD 0.02%). This variant has not been reported in the literature in individuals affected with SBF1-related conditions. ClinVar contains an entry for this variant (Variation ID: 1484007). Invitae Evidence Modeling of protein sequence and biophysical properties (such as structural, functional, and spatial information, amino acid conservation, physicochemical variation, residue mobility, and thermodynamic stability) indicates that this missense variant is not expected to disrupt SBF1 protein function with a negative predictive value of 80%. In summary, the available evidence is currently insufficient to determine the role of this variant in disease. Therefore, it has been classified as a Variant of Uncertain Significance.

Blueprint Genetics
Classification: Uncertain significance. Last evaluated: 2024-10-11. Review status: criteria provided, single submitter. Criteria: ACMG Guidelines, 2015. Collection method: clinical testing. Allele origin: germline.

NM_002972.4(SBF1):c.4976G>A (p.Arg1659His)

Gene: SBF1 (SET binding factor 1; minus strand). Cytogenetic location: 22q13.33.
Variant type: single nucleotide variant.
Coding change: c.4976G>A on transcript NM_002972.4 (MANE Select); coding-DNA position 4976, G replaced by A.
Protein change: p.Arg1659His; replaces arginine 1659 with histidine.
Molecular consequence: missense variant.
Genome position (GRCh38, 1-based): chr22:50,454,579, C>T on the plus strand (G>A on the coding strand, the complement: SBF1 is on the minus strand). VCF-style: chr22-50454579-C-T. GRCh37 (hg19) VCF-style: chr22-50893008-C-T.
Other names: c.4976G>A (NM_002972.2); c.4901G>A, p.Arg1634His (NM_001365819.1); short protein forms R1659H, R1634H.
Identifiers: ClinVar variation 1484007 (VCV001484007.10), dbSNP rs750566645, ClinGen allele CA10316061.